The following is an entry in ClinVar:

ClinVar aggregate classification (germline): Uncertain significance (1 of 4 stars; one submission).

Allele frequency attached by ClinVar (database versions not stated): gnomAD exomes below 0.00001; ExAC 0.00001.
gnomAD v4.1: 1 of 1,614,212 alleles (0.000062%); highest among the groups gnomAD compares: Non-Finnish European, 0.000085%; no homozygotes.

Submission:

Labcorp Genetics (formerly Invitae), Labcorp
Classification: Uncertain significance. Last evaluated: 2021-09-02. Review status: criteria provided, single submitter. Criteria: Invitae Variant Classification Sherloc (09022015). Collection method: clinical testing. Allele origin: germline.
Comment: This sequence change replaces alanine with valine at codon 35 of the HPS4 protein (p.Ala35Val). The alanine residue is moderately conserved and there is a small physicochemical difference between alanine and valine. This variant is present in population databases (rs777324808, ExAC 0.002%). This variant has not been reported in the literature in individuals affected with HPS4-related conditions. Algorithms developed to predict the effect of missense changes on protein structure and function are either unavailable or do not agree on the potential impact of this missense change (SIFT: "Tolerated"; PolyPhen-2: "Probably Damaging"; Align-GVGD: "Class C0"). In summary, the available evidence is currently insufficient to determine the role of this variant in disease. Therefore, it has been classified as a Variant of Uncertain Significance.

NM_022081.6(HPS4):c.104C>T (p.Ala35Val)

Gene: HPS4 (HPS4 biogenesis of lysosomal organelles complex 3 subunit 2; minus strand). Cytogenetic location: 22q12.1.
Variant type: single nucleotide variant.
Coding change: c.104C>T on transcript NM_022081.6 (MANE Select); coding-DNA position 104, C replaced by T.
Protein change: p.Ala35Val; replaces alanine 35 with valine.
Molecular consequence: missense variant. On other transcripts: non-coding transcript variant (8).
Genome position (GRCh38, 1-based): chr22:26,479,293, G>A on the plus strand (C>T on the coding strand, the complement: HPS4 is on the minus strand). VCF-style: chr22-26479293-G-A. GRCh37 (hg19) VCF-style: chr22-26875259-G-A.
Other names: c.104C>T, p.Ala35Val (NM_001349896.1, NM_001349898.2, NM_001349899.2 and 6 more transcripts); c.89C>T, p.Ala30Val (NM_152841.2); short protein forms A30V, A35V.
Identifiers: ClinVar variation 1355262 (VCV001355262.5), dbSNP rs777324808, ClinGen allele CA10163827.